The following is an entry in ClinVar:

ClinVar aggregate classification (germline): Uncertain significance. Review status: criteria provided, multiple submitters, no conflicts (2 of 4 stars). 2 submissions from 2 submitters: Uncertain significance (2). Last evaluated 2023-03-21.

Conditions:
Hearing impairment. Also called: Impaired Hearing. Identifiers: MedGen C1384666, MONDO:0005365, HP:0000365.

Allele frequency attached by ClinVar (database versions not stated): gnomAD 0.00001; TOPMed 0.00002; ExAC 0.00003; gnomAD exomes 0.00005.
gnomAD v4.1: 19 of 1,592,370 alleles (0.0012%); highest among the groups gnomAD compares: Admixed American, 0.02%; no homozygotes.

Submissions (2):

Blueprint Genetics
Classification: Uncertain significance. Last evaluated: 2023-03-21. Review status: criteria provided, single submitter. Criteria: ACMG Guidelines, 2015. Collection method: clinical testing. Allele origin: germline.

Department of Otolaryngology – Head & Neck Surgery, Cochlear Implant Center
Classification: Uncertain significance for Hearing impairment. Last evaluated: 2021-04-12. Review status: criteria provided, single submitter. Criteria: ClinGen HL ACMG Specifications v1. Collection method: clinical testing. Allele origin: germline. Affected: yes.
Comment: PM2_Moderate, PP1_Supporting, PP3_Supporting, BP5_Supporting

NM_001378609.3(OTOGL):c.2854G>A (p.Gly952Arg)

Gene: OTOGL (otogelin like; plus strand). Cytogenetic location: 12q21.31.
Variant type: single nucleotide variant.
Coding change: c.2854G>A on transcript NM_001378609.3 (MANE Select); coding-DNA position 2854, G replaced by A.
Protein change: p.Gly952Arg; replaces glycine 952 with arginine.
Molecular consequence: missense variant.
Genome position (GRCh38, 1-based): chr12:80,279,092, G>A. VCF-style: chr12-80279092-G-A. GRCh37 (hg19) VCF-style: chr12-80672872-G-A.
Other names: c.2854G>A, p.Gly952Arg (NM_001368062.3, NM_001378610.3, NM_173591.7); short protein forms G952R.
Identifiers: ClinVar variation 1065034 (VCV001065034.4), dbSNP rs759133667, ClinGen allele CA6700914.